The following is an entry in ClinVar:

NM_080680.3(COL11A2):c.1220C>T (p.Ala407Val)

Gene: COL11A2 (collagen type XI alpha 2 chain; minus strand). Cytogenetic location: 6p21.32.
Variant type: single nucleotide variant.
Coding change: c.1220C>T on transcript NM_080680.3 (MANE Select); coding-DNA position 1220, C replaced by T.
Protein change: p.Ala407Val; replaces alanine 407 with valine.
Molecular consequence: missense variant.
Genome position (GRCh38, 1-based): chr6:33,180,965, G>A on the plus strand (C>T on the coding strand, the complement: COL11A2 is on the minus strand). VCF-style: chr6-33180965-G-A. GRCh37 (hg19) VCF-style: chr6-33148742-G-A.
Other names: c.899C>T, p.Ala300Val (NM_080679.3); c.962C>T, p.Ala321Val (NM_080681.3); short protein forms A300V, A321V, A407V.
Identifiers: ClinVar variation 1302953 (VCV001302953.11), dbSNP rs201981435, ClinGen allele CA3751426.

ClinVar aggregate classification (germline): Uncertain significance. Review status: criteria provided, multiple submitters, no conflicts (2 of 4 stars). 4 submissions from 4 submitters: Uncertain significance (3). 1 of the submissions does not count toward it. Last evaluated 2025-05-13.

Conditions:
COL11A2-related disorder. Also called: COL11A2-related condition; COL11A2-related disorders.
Otospondylomegaepiphyseal dysplasia, autosomal recessive (OSMEDB). Also called: CHONDRODYSTROPHY WITH SENSORINEURAL DEAFNESS; Insley-Astley syndrome. Identifiers: Orphanet 1427, MedGen CN034493, MONDO:0044206, OMIM 215150.
Autosomal recessive nonsyndromic hearing loss 53. Identifiers: Orphanet 90636, MedGen C1864746, MONDO:0012333, OMIM 609706.
Autosomal dominant nonsyndromic hearing loss 13. Identifiers: Orphanet 90635, MedGen C1866095, MONDO:0011159, OMIM 601868.
Otospondylomegaepiphyseal dysplasia, autosomal dominant (OSMEDA). Also called: COL11A2-Related Stickler Syndrome; Pierre Robin syndrome with fetal chondrodysplasia; Stickler syndrome, type 3. Identifiers: Orphanet 166100, Orphanet 3450, MedGen C1848488, MONDO:0008490, OMIM 184840.
Fibrochondrogenesis 2 (FBCG2). Identifiers: Orphanet 2021, MedGen C3281128, MONDO:0013795, OMIM 614524.

Allele frequency attached by ClinVar (database versions not stated): ExAC 0.00006; gnomAD 0.00014; TOPMed 0.00014.
gnomAD v4.1: 91 of 1,613,848 alleles (0.0056%); highest among the groups gnomAD compares: African/African-American, 0.031%; no homozygotes.

Submissions (4):

GeneDx
Classification: Uncertain significance. Last evaluated: 2025-05-13. Review status: criteria provided, single submitter. Criteria: GeneDx Variant Classification Process June 2021. Collection method: clinical testing. Allele origin: germline. Affected: yes.
Comment: Has not been previously published as pathogenic or benign to our knowledge; In silico analysis supports that this missense variant has a deleterious effect on protein structure/function

Labcorp Genetics (formerly Invitae), Labcorp
Classification: Uncertain significance. Last evaluated: 2025-01-07. Review status: criteria provided, single submitter. Criteria: Invitae Variant Classification Sherloc (09022015). Collection method: clinical testing. Allele origin: germline.
Comment: This sequence change replaces alanine, which is neutral and non-polar, with valine, which is neutral and non-polar, at codon 407 of the COL11A2 protein (p.Ala407Val). The frequency data for this variant in the population databases is considered unreliable, as metrics indicate poor data quality at this position in the gnomAD database. This variant has not been reported in the literature in individuals affected with COL11A2-related conditions. ClinVar contains an entry for this variant (Variation ID: 1302953). An algorithm developed to predict the effect of missense changes on protein structure and function (PolyPhen-2) suggests that this variant¬†is likely to be tolerated. In summary, the available evidence is currently insufficient to determine the role of this variant in disease. Therefore, it has been classified as a Variant of Uncertain Significance.

Fulgent Genetics
Classification: Uncertain significance for Otospondylomegaepiphyseal dysplasia, autosomal dominant; Otospondylomegaepiphyseal dysplasia, autosomal recessive; Autosomal dominant nonsyndromic hearing loss 13; Autosomal recessive nonsyndromic hearing loss 53; Fibrochondrogenesis 2. Last evaluated: 2022-03-08. Review status: criteria provided, single submitter. Criteria: ACMG Guidelines, 2015. Collection method: clinical testing. Allele origin: unknown.

PreventionGenetics, part of Exact Sciences
Classification: Uncertain significance for COL11A2-related condition. Last evaluated: 2024-05-08. Review status: no assertion criteria provided. Collection method: clinical testing. Allele origin: germline. Not counted in ClinVar's aggregate classification.
Comment: The COL11A2 c.1220C>T variant is predicted to result in the amino acid substitution p.Ala407Val. To our knowledge, this variant has not been reported in the literature. This variant is reported in 0.024% of alleles in individuals of African descent in gnomAD. At this time, the clinical significance of this variant is uncertain due to the absence of conclusive functional and genetic evidence.